The following is an entry in ClinVar:

NM_014956.5(CEP164):c.1003A>G (p.Thr335Ala)

Gene: CEP164 (centrosomal protein 164; plus strand). Cytogenetic location: 11q23.3.
Variant type: single nucleotide variant.
Coding change: c.1003A>G on transcript NM_014956.5 (MANE Select); coding-DNA position 1003, A replaced by G.
Protein change: p.Thr335Ala; replaces threonine 335 with alanine.
Molecular consequence: missense variant.
Genome position (GRCh38, 1-based): chr11:117,371,317, A>G. VCF-style: chr11-117371317-A-G. GRCh37 (hg19) VCF-style: chr11-117242033-A-G.
Other names: c.1003A>G, p.Thr335Ala (NM_001271933.2); short protein forms T335A.
Identifiers: ClinVar variation 1019479 (VCV001019479.9), dbSNP rs2042173963, ClinGen allele CA382737645.

ClinVar aggregate classification (germline): Uncertain significance (1 of 4 stars; one submission).

Conditions:
Nephronophthisis 15 (NPHP15). Identifiers: Orphanet 3156, MedGen C3541853, MONDO:0013917, OMIM 614845.

Submission:

Labcorp Genetics (formerly Invitae), Labcorp
Classification: Uncertain significance for Nephronophthisis 15. Last evaluated: 2020-01-15. Review status: criteria provided, single submitter. Criteria: Invitae Variant Classification Sherloc (09022015). Collection method: clinical testing. Allele origin: germline.
Comment: This sequence change replaces threonine with alanine at codon 335 of the CEP164 protein (p.Thr335Ala). The threonine residue is weakly conserved and there is a small physicochemical difference between threonine and alanine. This variant is not present in population databases (ExAC no frequency). This variant has not been reported in the literature in individuals with CEP164-related conditions. Algorithms developed to predict the effect of missense changes on protein structure and function (SIFT, PolyPhen-2, Align-GVGD) all suggest that this variant is likely to be tolerated, but these predictions have not been confirmed by published functional studies and their clinical significance is uncertain. In summary, the available evidence is currently insufficient to determine the role of this variant in disease. Therefore, it has been classified as a Variant of Uncertain Significance.